The following is an entry in ClinVar:

NM_001386298.1(CIC):c.3826G>C (p.Glu1276Gln)

Gene: CIC (capicua transcriptional repressor; plus strand). Cytogenetic location: 19q13.2.
Variant type: single nucleotide variant.
Coding change: c.3826G>C on transcript NM_001386298.1 (MANE Select); coding-DNA position 3826, G replaced by C.
Protein change: p.Glu1276Gln; replaces glutamic acid 1276 with glutamine.
Molecular consequence: missense variant.
Genome position (GRCh38, 1-based): chr19:42,289,055, G>C. VCF-style: chr19-42289055-G-C. GRCh37 (hg19) VCF-style: chr19-42793207-G-C.
Other names: c.3826G>C, p.Glu1276Gln (NM_001304815.2, NM_001379480.1, NM_001379482.1); c.1099G>C, p.Glu367Gln (NM_001379484.1, NM_001379485.1, NM_015125.5); short protein forms E1276Q, E367Q.
Identifiers: ClinVar variation 3341300 (VCV003341300.1).

ClinVar aggregate classification (germline): Uncertain significance (1 of 4 stars; one submission).

Conditions:
Intellectual developmental disorder, autosomal dominant 45. Also called: MENTAL RETARDATION, AUTOSOMAL DOMINANT 45; Intellectual disability, autosomal dominant 45. Identifiers: MedGen C4539848, MONDO:0030910, OMIM 617600.

Submission:

Neuberg Centre For Genomic Medicine, NCGM
Classification: Uncertain significance for Intellectual developmental disorder, autosomal dominant 45. Review status: criteria provided, single submitter. Criteria: ACMG Guidelines, 2015. Collection method: clinical testing. Allele origin: germline. Inheritance: Autosomal dominant inheritance. Affected: yes.
Comment: The observed missense c.3826G>C(p.Glu1276Gln) variant in CIC gene has not been reported previously as a pathogenic variant nor as a benign variant, to our knowledge. This variant is absent in gnomAD Exomes. The amino acid Glu at position 1276 is changed to a Gln changing protein sequence and it might alter its composition and physico-chemical properties. The amino acid change p.Glu1276Gln in CIC is predicted as conserved by GERP++ and PhyloP across 100 vertebrates. Multiple lines of computational evidence (Polyphen - Damaging, SIFT - Damaging and MutationTaster - Disease causing) predict a damaging effect on protein structure and function for this variant. For these reasons, this variant has been classified as Uncertain Significance.